The following is an entry in ClinVar:

ClinVar aggregate classification (germline): Conflicting classifications of pathogenicity. Review status: criteria provided, conflicting classifications (1 of 4 stars). 3 submissions from 3 submitters: Uncertain significance (2); Likely benign (1). Last evaluated 2025-08-29.

Allele frequency attached by ClinVar (database versions not stated): ESP Exome Variant Server 0.00015; TOPMed 0.00015.
gnomAD v4.1: 109 of 1,613,736 alleles (0.0068%); highest among the groups gnomAD compares: African/African-American, 0.027%; no homozygotes.

Submissions (3):

Labcorp Genetics (formerly Invitae), Labcorp
Classification: Uncertain significance. Last evaluated: 2025-08-29. Review status: criteria provided, single submitter. Criteria: Invitae Variant Classification Sherloc (09022015). Collection method: clinical testing. Allele origin: germline.
Comment: This sequence change replaces valine, which is neutral and non-polar, with methionine, which is neutral and non-polar, at codon 1775 of the NIN protein (p.Val1775Met). This variant is present in population databases (rs375323558, gnomAD 0.02%). This variant has not been reported in the literature in individuals affected with NIN-related conditions. ClinVar contains an entry for this variant (Variation ID: 1012834). An algorithm developed to predict the effect of missense changes on protein structure and function (PolyPhen-2) suggests that this variant is likely to be tolerated. In summary, the available evidence is currently insufficient to determine the role of this variant in disease. Therefore, it has been classified as a Variant of Uncertain Significance.

Ambry Genetics
Classification: Uncertain significance. Last evaluated: 2024-08-05. Review status: criteria provided, single submitter. Criteria: Ambry Variant Classification Scheme 2023. Collection method: clinical testing. Allele origin: germline.

CeGaT Center for Human Genetics Tuebingen
Classification: Likely benign. Last evaluated: 2021-01-01. Review status: criteria provided, single submitter. Criteria: CeGaT Center For Human Genetics Tuebingen Variant Classification Criteria Version 2. Collection method: clinical testing. Allele origin: germline. Affected: yes. Observed: 1 variant allele.

NM_020921.4(NIN):c.5323G>A (p.Val1775Met)

Gene: NIN (ninein; minus strand). Cytogenetic location: 14q22.1.
Variant type: single nucleotide variant.
Coding change: c.5323G>A on transcript NM_020921.4 (MANE Select); coding-DNA position 5323, G replaced by A.
Protein change: p.Val1775Met; replaces valine 1775 with methionine.
Molecular consequence: missense variant.
Genome position (GRCh38, 1-based): chr14:50,741,707, C>T on the plus strand (G>A on the coding strand, the complement: NIN is on the minus strand). VCF-style: chr14-50741707-C-T. GRCh37 (hg19) VCF-style: chr14-51208425-C-T.
Other names: c.3184G>A, p.Val1062Met (NM_016350.5); c.5323G>A, p.Val1775Met (NM_182944.3, NM_182946.2); c.5323G>A (NM_020921.3); short protein forms V1062M, V1775M.
Identifiers: ClinVar variation 1012834 (VCV001012834.43), dbSNP rs375323558, ClinGen allele CA7181314.
Genomic context (GRCh38, chr14:50,741,707, plus strand): 5'-CCTGCTGAGTCACTCGTAGGTCAGATTTCATCCGGGACATTTGCAGGTTTACATTCTGCA[C>T]GGTGTCTTCTAAATTCTGAACCTGTATTGTGAGAATGATCTTTTACTGCTACACAAACTC-3'
Protein context (NP_065972.4, residues 1765-1785): QEKVQNLEDT[Val1775Met]QNVNLQMSRM